The following is an entry in ClinVar:

GRCh37/hg19 12q24.31(chr12:123185916-123199400)x3

Genes: HCAR3 (hydroxycarboxylic acid receptor 3; minus strand), HCAR2 (hydroxycarboxylic acid receptor 2; minus strand). Cytogenetic location: 12q24.31.
Variant type: copy number gain.
Change: copy number 3 (three copies instead of two) of chr12:123,185,916-123,199,400 (13.5 kb, GRCh37 coordinates, 1-based), cytogenetic band 12q24.31.
Identifiers: ClinVar variation 393713 (VCV000393713.3).

ClinVar aggregate classification (germline): conflicting data from submitters (0 of 4 stars; one submission).

Submission:

ISCA Site 6
Classification: conflicting data from submitters. Review status: no assertion criteria provided. Collection method: clinical testing. Allele origin: unknown. Affected: yes. Observed: 15 variant alleles. Clinical features observed: Developmental delay AND/OR other significant developmental or morphological phenotypes.
Comment: Uncertain significance(2), Likely benign (1), Benign (12)

Copy number variation identified through the course of routine clinical cytogenomic testing in postnatal populations, with clinical assertions as classified by the original submitter. For data from the original published study, Kaminsky, et al. 2011 (PubMed 21844811), please see nstd101.